The following is an entry in ClinVar:

ClinVar aggregate classification (germline): Likely benign (1 of 4 stars; one submission).

Submission:

CeGaT Center for Human Genetics Tuebingen
Classification: Likely benign. Last evaluated: 2026-08-01. Review status: criteria provided, single submitter. Criteria: CeGaT Center For Human Genetics Tuebingen Variant Classification Criteria Version 2. Collection method: clinical testing. Allele origin: germline. Affected: yes. Observed: 5 variant alleles.
Comment: MUC21: BP4, BP7

NM_001010909.5(MUC21):c.339C>G (p.Thr113=)

Gene: MUC21 (mucin 21, cell surface associated; plus strand). Cytogenetic location: 6p21.33.
Variant type: single nucleotide variant.
Coding change: c.339C>G on transcript NM_001010909.5 (MANE Select); coding-DNA position 339, C replaced by G.
Protein change: p.Thr113=; no amino-acid change (threonine 113 retained).
Molecular consequence: synonymous variant. On other transcripts: non-coding transcript variant (1).
Genome position (GRCh38, 1-based): chr6:30,986,514, C>G. VCF-style: chr6-30986514-C-G. GRCh37 (hg19) VCF-style: chr6-30954291-C-G.
Other names: c.339C>G, p.Thr113= (NM_001322370.2, NM_001322371.2).
Identifiers: ClinVar variation 3234293 (VCV003234293.20), dbSNP rs1457561258, ClinGen allele CA449782194.